The following is an entry in ClinVar:

ClinVar aggregate classification (germline): Uncertain significance (1 of 4 stars; one submission).

Allele frequency attached by ClinVar (database versions not stated): gnomAD exomes 0.00001.
gnomAD v4.1: 8 of 1,268,696 alleles (0.00063%); highest among the groups gnomAD compares: Non-Finnish European, 0.00079%; no homozygotes.

Submission:

GeneDx
Classification: Uncertain significance. Last evaluated: 2020-10-30. Review status: criteria provided, single submitter. Criteria: GeneDx Variant Classification Process June 2021. Collection method: clinical testing. Allele origin: germline. Affected: yes.
Comment: Has not been previously published as pathogenic or benign to our knowledge; Not observed in large population cohorts (Lek et al., 2016); In silico analysis supports that this missense variant does not alter protein structure/function

NM_001374828.1(ARID1B):c.1324G>A (p.Gly442Arg)

Gene: ARID1B (AT-rich interaction domain 1B; plus strand). Cytogenetic location: 6q25.3.
Variant type: single nucleotide variant.
Coding change: c.1324G>A on transcript NM_001374828.1 (MANE Select); coding-DNA position 1324, G replaced by A.
Protein change: p.Gly442Arg; replaces glycine 442 with arginine.
Molecular consequence: missense variant.
Genome position (GRCh38, 1-based): chr6:156,779,004, G>A. VCF-style: chr6-156779004-G-A. GRCh37 (hg19) VCF-style: chr6-157100138-G-A.
Other names: c.1075G>A (NM_020732.3); c.1324G>A, p.Gly442Arg (NM_001371656.1, NM_001374820.1, NM_017519.3); short protein forms G442R.
Identifiers: ClinVar variation 1313495 (VCV001313495.2), dbSNP rs2114993167, ClinGen allele CA366383993.